The following is an entry in ClinVar:

NM_001134831.2(AHI1):c.2961+1G>A

Gene: AHI1 (Abelson helper integration site 1; minus strand). Cytogenetic location: 6q23.3.
Variant type: single nucleotide variant.
Coding change: c.2961+1G>A on transcript NM_001134831.2 (MANE Select); the canonical splice donor site of the intron after coding-DNA position 2961, G replaced by A.
Molecular consequence: splice donor variant.
Genome position (GRCh38, 1-based): chr6:135,411,347, C>T on the plus strand (G>A on the coding strand, the complement: AHI1 is on the minus strand). VCF-style: chr6-135411347-C-T. GRCh37 (hg19) VCF-style: chr6-135732485-C-T.
Other names: c.2961+1G>A (NM_001134830.2, NM_001350503.2, NM_017651.5 and 2 more transcripts).
Identifiers: ClinVar variation 2050546 (VCV002050546.5), dbSNP rs1781562565, ClinGen allele CA365845764.

ClinVar aggregate classification (germline): Likely pathogenic. Review status: criteria provided, multiple submitters, no conflicts (2 of 4 stars). 2 submissions from 2 submitters: Likely pathogenic (2). Last evaluated 2025-07-28.

Conditions:
Joubert syndrome 3 (JBTS3). Also called: AHI1-related Ciliopathy. Identifiers: Orphanet 220493, MedGen C1837713, MONDO:0012078, OMIM 608629.
Joubert syndrome. Also called: Familial aplasia of the vermis; JOUBERT-BOLTSHAUSER SYNDROME. Identifiers: Orphanet 475, MedGen C5979921, MONDO:0018772.

Submissions (2):

Myriad Genetics, Inc.
Classification: Likely pathogenic for Joubert syndrome 3. Last evaluated: 2025-07-28. Review status: criteria provided, single submitter. Criteria: Myriad Autosomal Dominant, Autosomal Recessive and X-Linked Classification Criteria (2023). Collection method: clinical testing. Allele origin: unknown.
Comment: NM_001134831.1(AHI1):c.2961+1G>A is a variant in a canonical splice site classified as likely pathogenic in the context of Joubert syndrome, AHI1-related. c.2961+1G>A has not been observed in cases with relevant disease. Relevant functional assessments of this variant are not available in the literature. c.2961+1G>A has not been observed in referenced population frequency databases. In summary, NM_001134831.1(AHI1):c.2961+1G>A is a variant in a canonical splice site in a gene where loss of function is a known mechanism of disease and is predicted to disrupt protein function. Please note: this variant was assessed in the context of healthy population screening.

Labcorp Genetics (formerly Invitae), Labcorp
Classification: Likely pathogenic for Joubert syndrome. Last evaluated: 2025-07-02. Review status: criteria provided, single submitter. Criteria: Invitae Variant Classification Sherloc (09022015). Collection method: clinical testing. Allele origin: germline.
Comment: This sequence change affects a donor splice site in intron 20 of the AHI1 gene. It is expected to disrupt RNA splicing. Variants that disrupt the donor or acceptor splice site typically lead to a loss of protein function (PMID: 16199547), and loss-of-function variants in AHI1 are known to be pathogenic (PMID: 15322546, 16453322, 28442542, 29186038). This variant is not present in population databases (gnomAD no frequency). This variant has not been reported in the literature in individuals affected with AHI1-related conditions. ClinVar contains an entry for this variant (Variation ID: 2050546). Algorithms developed to predict the effect of sequence changes on RNA splicing suggest that this variant may disrupt the consensus splice site. In summary, the currently available evidence indicates that the variant is pathogenic, but additional data are needed to prove that conclusively. Therefore, this variant has been classified as Likely Pathogenic.

Literature cited by the submitters: PubMed 16199547 (cited by Labcorp Genetics (formerly Invitae), Labcorp); PubMed 15322546 (cited by Labcorp Genetics (formerly Invitae), Labcorp); PubMed 16453322 (cited by Labcorp Genetics (formerly Invitae), Labcorp); PubMed 28442542 (cited by Labcorp Genetics (formerly Invitae), Labcorp); PubMed 29186038 (cited by Labcorp Genetics (formerly Invitae), Labcorp).